The following is an entry in ClinVar:

ClinVar aggregate classification (germline): Uncertain significance. Review status: criteria provided, multiple submitters, no conflicts (2 of 4 stars). 2 submissions from 2 submitters: Uncertain significance (2). Last evaluated 2022-05-04.

Conditions:
Inborn genetic diseases. Identifiers: MedGen C0950123, MeSH D030342.
X-linked progressive cerebellar ataxia. Also called: OPCA, X-LINKED; OLIVOPONTOCEREBELLAR ATROPHY, X-LINKED; Spinocerebellar ataxia, X-linked 1. Identifiers: Orphanet 1175, MedGen C0796205, MONDO:0010547, OMIM 302500.

Allele frequency attached by ClinVar (database versions not stated): gnomAD 0.00003; TOPMed 0.00007.
gnomAD v4.1: 11 of 1,211,386 alleles (0.00091%); highest among the groups gnomAD compares: South Asian, 0.0018%; no homozygotes.

Submissions (2):

Ambry Genetics
Classification: Uncertain significance for Inborn genetic diseases. Last evaluated: 2022-05-04. Review status: criteria provided, single submitter. Criteria: Ambry Variant Classification Scheme 2023. Collection method: clinical testing. Allele origin: germline.

Department of Biochemistry, Faculty of Medicine, University of Khartoum
Classification: Uncertain significance for X-linked progressive cerebellar ataxia. Last evaluated: 2021-03-25. Review status: criteria provided, single submitter. Criteria: ACMG Guidelines, 2015. Collection method: research. Allele origin: maternal. Inheritance: X-linked inheritance. Affected: yes. Observed: 1 variant allele, 1 hemizygote.
Comment: It was reported once in the gnomAD v2.1.1 database; heterozygous in an African\African American female. Nevertheless, NM_021949.3(ATP2B3):c.2086C>T (p.Arg696Cys) had an allelic variant, NM_021949.3 (ATP2B3):c.2086C>A (p.Arg696Ser) reported in four females and one male from gnomAD v2.1.1 Latino/Admixed American population (its gnomAD v2.1.1 global frequency was 0.00002). The variant NM_021949.3(ATP2B3):c.2086C>T (p.Arg696Cys) alters a highly conserved amino acid located in the ATPase domain of the ATP2B3 protein. It was predicted by multiple in silico tools including Sift, Polyphen 2, MutationTaster, LRT, and Provean.

NM_001001344.3(ATP2B3):c.2086C>T (p.Arg696Cys)

Gene: ATP2B3 (ATPase plasma membrane Ca2+ transporting 3; plus strand). Cytogenetic location: Xq28.
Variant type: single nucleotide variant.
Coding change: c.2086C>T on transcript NM_001001344.3 (MANE Select); coding-DNA position 2086, C replaced by T.
Protein change: p.Arg696Cys; replaces arginine 696 with cysteine.
Molecular consequence: missense variant.
Genome position (GRCh38, 1-based): chrX:153,556,076, C>T. VCF-style: chrX-153556076-C-T. GRCh37 (hg19) VCF-style: chrX-152821534-C-T.
Other names: c.2086C>T (NM_001001344.2); c.2086C>T, p.Arg696Cys (NM_001388360.1, NM_001388361.1, NM_001388362.1 and 1 more transcripts); short protein forms R696C.
Identifiers: ClinVar variation 1048094 (VCV001048094.4), dbSNP rs782683285, ClinGen allele CA10547884.